The following is an entry in ClinVar:

NM_206933.4(USH2A):c.11711+6A>G

Gene: USH2A (usherin; minus strand). Cytogenetic location: 1q41.
Variant type: single nucleotide variant.
Coding change: c.11711+6A>G on transcript NM_206933.4 (MANE Select); 6 bases into the intron after coding-DNA position 11711, A replaced by G.
Molecular consequence: intron variant.
Genome position (GRCh38, 1-based): chr1:215,741,369, T>C on the plus strand (A>G on the coding strand, the complement: USH2A is on the minus strand). VCF-style: chr1-215741369-T-C. GRCh37 (hg19) VCF-style: chr1-215914711-T-C.
Identifiers: ClinVar variation 1390209 (VCV001390209.6), dbSNP rs776220540, ClinGen allele CA2573131556.

ClinVar aggregate classification (germline): Uncertain significance (1 of 4 stars; one submission).

gnomAD v4.1: 2 of 1,614,002 alleles (0.00012%); highest among the groups gnomAD compares: Non-Finnish European, 0.00017%; no homozygotes.

Submission:

Labcorp Genetics (formerly Invitae), Labcorp
Classification: Uncertain significance. Last evaluated: 2022-10-18. Review status: criteria provided, single submitter. Criteria: Invitae Variant Classification Sherloc (09022015). Collection method: clinical testing. Allele origin: germline.
Comment: This sequence change falls in intron 60 of the USH2A gene. It does not directly change the encoded amino acid sequence of the USH2A protein. It affects a nucleotide within the consensus splice site. In summary, the available evidence is currently insufficient to determine the role of this variant in disease. Therefore, it has been classified as a Variant of Uncertain Significance. Variants that disrupt the consensus splice site are a relatively common cause of aberrant splicing (PMID: 17576681, 9536098). Algorithms developed to predict the effect of sequence changes on RNA splicing suggest that this variant is not likely to affect RNA splicing. ClinVar contains an entry for this variant (Variation ID: 1390209). This variant has not been reported in the literature in individuals affected with USH2A-related conditions. This variant is not present in population databases (gnomAD no frequency).

Literature cited by the submitters: PubMed 17576681; PubMed 9536098.